The following is an entry in ClinVar:

ClinVar aggregate classification (germline): Uncertain significance (1 of 4 stars; one submission).

Conditions:
Developmental and epileptic encephalopathy, 21 (DEE21). Also called: Early infantile epileptic encephalopathy 21. Identifiers: Orphanet 442835, MedGen C4014430, MONDO:0014360, OMIM 615833.

Allele frequency attached by ClinVar (database versions not stated): gnomAD 0.00001.

Submission:

Labcorp Genetics (formerly Invitae), Labcorp
Classification: Uncertain significance for Developmental and epileptic encephalopathy, 21. Last evaluated: 2024-08-05. Review status: criteria provided, single submitter. Criteria: Invitae Variant Classification Sherloc (09022015). Collection method: clinical testing. Allele origin: germline.
Comment: This sequence change replaces proline, which is neutral and non-polar, with serine, which is neutral and polar, at codon 234 of the NECAP1 protein (p.Pro234Ser). This variant is not present in population databases (gnomAD no frequency). This variant has not been reported in the literature in individuals affected with NECAP1-related conditions. ClinVar contains an entry for this variant (Variation ID: 2125754). An algorithm developed to predict the effect of missense changes on protein structure and function (PolyPhen-2) suggests that this variant is likely to be tolerated. In summary, the available evidence is currently insufficient to determine the role of this variant in disease. Therefore, it has been classified as a Variant of Uncertain Significance.

NM_015509.4(NECAP1):c.700C>T (p.Pro234Ser)

Gene: NECAP1 (NECAP endocytosis associated 1; plus strand). Cytogenetic location: 12p13.31.
Variant type: single nucleotide variant.
Coding change: c.700C>T on transcript NM_015509.4 (MANE Select); coding-DNA position 700, C replaced by T.
Protein change: p.Pro234Ser; replaces proline 234 with serine.
Molecular consequence: missense variant. On other transcripts: non-coding transcript variant (1).
Genome position (GRCh38, 1-based): chr12:8,095,624, C>T. VCF-style: chr12-8095624-C-T. GRCh37 (hg19) VCF-style: chr12-8248220-C-T.
Other names: short protein forms P234S.
Identifiers: ClinVar variation 2125754 (VCV002125754.4), dbSNP rs1947587409, ClinGen allele CA383802344.